The following is an entry in ClinVar:

NM_032383.5(HPS3):c.2936A>G (p.Asn979Ser)

Genes: CP (ceruloplasmin; minus strand), HPS3 (HPS3 biogenesis of lysosomal organelles complex 2 subunit 1; plus strand). Cytogenetic location: 3q24.
Variant type: single nucleotide variant.
Coding change: c.2936A>G on transcript NM_032383.5 (MANE Select); coding-DNA position 2936, A replaced by G.
Protein change: p.Asn979Ser; replaces asparagine 979 with serine.
Molecular consequence: missense variant.
Genome position (GRCh38, 1-based): chr3:149,172,143, A>G. VCF-style: chr3-149172143-A-G. GRCh37 (hg19) VCF-style: chr3-148889930-A-G.
Other names: c.2441A>G, p.Asn814Ser (NM_001308258.2); short protein forms N979S, N814S.
Identifiers: ClinVar variation 899562 (VCV000899562.8), dbSNP rs781373708, ClinGen allele CA2660510.

ClinVar aggregate classification (germline): Uncertain significance. Review status: criteria provided, multiple submitters, no conflicts (2 of 4 stars). 3 submissions from 3 submitters: Uncertain significance (3). Last evaluated 2025-08-09.

Conditions:
Hermansky-Pudlak syndrome 3 (HPS3). Identifiers: Orphanet 231512, Orphanet 79430, MedGen C3888001, MONDO:0013555, OMIM 614072.
Inborn genetic diseases. Identifiers: MedGen C0950123, MeSH D030342.

Allele frequency attached by ClinVar (database versions not stated): gnomAD 0.00010 and 0.00011; TOPMed 0.00012.
gnomAD v4.1: 202 of 1,612,678 alleles (0.013%); highest among the groups gnomAD compares: Non-Finnish European, 0.016%; no homozygotes.

Submissions (3):

Ambry Genetics
Classification: Uncertain significance for Inborn genetic diseases. Last evaluated: 2025-08-09. Review status: criteria provided, single submitter. Criteria: Ambry Variant Classification Scheme 2023. Collection method: clinical testing. Allele origin: germline.

Labcorp Genetics (formerly Invitae), Labcorp
Classification: Uncertain significance. Last evaluated: 2025-01-27. Review status: criteria provided, single submitter. Criteria: Invitae Variant Classification Sherloc (09022015). Collection method: clinical testing. Allele origin: germline.
Comment: This sequence change replaces asparagine, which is neutral and polar, with serine, which is neutral and polar, at codon 979 of the HPS3 protein (p.Asn979Ser). This variant is present in population databases (rs781373708, gnomAD 0.01%). This variant has not been reported in the literature in individuals affected with HPS3-related conditions. ClinVar contains an entry for this variant (Variation ID: 899562). Invitae Evidence Modeling of protein sequence and biophysical properties (such as structural, functional, and spatial information, amino acid conservation, physicochemical variation, residue mobility, and thermodynamic stability) indicates that this missense variant is not expected to disrupt HPS3 protein function with a negative predictive value of 80%. In summary, the available evidence is currently insufficient to determine the role of this variant in disease. Therefore, it has been classified as a Variant of Uncertain Significance.

Illumina Laboratory Services, Illumina
Classification: Uncertain significance for Hermansky-Pudlak syndrome 3. Last evaluated: 2018-01-13. Review status: criteria provided, single submitter. Criteria: ICSL Variant Classification Criteria 13 December 2019. Collection method: clinical testing. Allele origin: germline.